The following is an entry in ClinVar:

NM_078480.3(PUF60):c.24+1822G>A

Gene: PUF60 (poly(U) binding splicing factor 60; minus strand). Cytogenetic location: 8q24.3.
Variant type: single nucleotide variant.
Coding change: c.24+1822G>A on transcript NM_078480.3 (MANE Select); 1822 bases into the intron after coding-DNA position 24, G replaced by A.
Molecular consequence: intron variant. On other transcripts: missense variant (3).
Genome position (GRCh38, 1-based): chr8:143,827,458, C>T on the plus strand (G>A on the coding strand, the complement: PUF60 is on the minus strand). VCF-style: chr8-143827458-C-T. GRCh37 (hg19) VCF-style: chr8-144909628-C-T.
Other names: c.62G>A, p.Arg21Lys (NM_001362895.2, NM_001362896.2, NM_001362897.2); c.24+1822G>A (NM_001271097.2, NM_001271099.2, NM_001271096.2 and 2 more transcripts); c.-106+1526G>A (NM_001271100.2, NM_001136033.3); short protein forms R21K.
Identifiers: ClinVar variation 5008931 (VCV005008931.1).

ClinVar aggregate classification (germline): Uncertain significance (1 of 4 stars; one submission).

Submission:

GeneDx
Classification: Uncertain significance. Last evaluated: 2026-03-17. Review status: criteria provided, single submitter. Criteria: GeneDx Variant Classification Process June 2021. Collection method: clinical testing. Allele origin: germline.
Comment: Not observed at significant frequency in large population cohorts (gnomAD); In silico analysis suggests that this variant does not alter protein structure/function; Has not been previously published as pathogenic or benign to our knowledge; Reported using an alternate transcript of the gene